The following is an entry in ClinVar:

ClinVar aggregate classification (germline): Likely benign (1 of 4 stars; one submission).

Submission:

GeneDx
Classification: Likely benign. Last evaluated: 2018-04-27. Review status: criteria provided, single submitter. Criteria: GeneDx Variant Classification (06012015). Collection method: clinical testing. Allele origin: germline. Affected: yes.
Comment: This variant is considered likely benign or benign based on one or more of the following criteria: it is a conservative change, it occurs at a poorly conserved position in the protein, it is predicted to be benign by multiple in silico algorithms, and/or has population frequency not consistent with disease.

NM_001267550.2(TTN):c.32477A>C (p.Glu10826Ala)

Gene: TTN (titin; minus strand). Cytogenetic location: 2q31.2.
Variant type: single nucleotide variant.
Coding change: c.32477A>C on transcript NM_001267550.2 (MANE Select); coding-DNA position 32477, A replaced by C.
Protein change: p.Glu10826Ala; replaces glutamic acid 10826 with alanine.
Molecular consequence: missense variant. On other transcripts: intron variant (3).
Genome position (GRCh38, 1-based): chr2:178,684,983, T>G on the plus strand (A>C on the coding strand, the complement: TTN is on the minus strand). VCF-style: chr2-178684983-T-G. GRCh37 (hg19) VCF-style: chr2-179549710-T-G.
Other names: c.31526A>C, p.Glu10509Ala (NM_001256850.1); c.28745A>C, p.Glu9582Ala (NM_133378.4); c.13283-42666A>C (NM_003319.4); c.13859-42666A>C (NM_133437.4); c.13658-42666A>C (NM_133432.3); short protein forms E10509A, E10826A, E9582A.
Identifiers: ClinVar variation 679967 (VCV000679967.1), dbSNP rs1577388984, ClinGen allele CA349547672.
Genomic context (GRCh38, chr2:178,684,983, plus strand): 5'-TTTTCCTTTTTAGGAACTGGAGCAGGAACTTTCTTTTCTGGCACAATTTTCTTAGGTGCT[T>G]CAGGAACTTTAGAAAGATTAGGTTTAAGAATATGAGTTTGCCTTACATATGAAGTGACAC-3'
Protein context (NP_001254479.2, residues 10816-10836): IEEPPPAKVP[Glu10826Ala]APKKIVPEKK